The following is an entry in ClinVar:

ClinVar aggregate classification (germline): Conflicting classifications of pathogenicity. Review status: criteria provided, conflicting classifications (1 of 4 stars). 5 submissions from 5 submitters: Uncertain significance (4); Likely benign (1). Last evaluated 2026-04-01.

Conditions:
Upshaw-Schulman syndrome (TTP). Also called: Congenital thrombotic thrombocytopenic purpura; THROMBOTIC THROMBOCYTOPENIC PURPURA, HEREDITARY. Identifiers: Orphanet 93583, MedGen C1268935, MONDO:0010122, OMIM 274150.

Allele frequency attached by ClinVar (database versions not stated): ESP Exome Variant Server 0.00008; gnomAD 0.00014; gnomAD exomes 0.00015; 1000 Genomes Project 30x 0.00016; TOPMed 0.00018; 1000 Genomes Project 0.00020; ExAC 0.00022.
gnomAD v4.1: 256 of 1,601,268 alleles (0.016%); highest among the groups gnomAD compares: Middle Eastern, 0.42%; 2 homozygotes.

Submissions (5):

CeGaT Center for Human Genetics Tuebingen
Classification: Likely benign. Last evaluated: 2026-04-01. Review status: criteria provided, single submitter. Criteria: CeGaT Center For Human Genetics Tuebingen Variant Classification Criteria Version 2. Collection method: clinical testing. Allele origin: germline. Affected: yes. Observed: 1 variant allele.
Comment: ADAMTS13: BP4

Labcorp Genetics (formerly Invitae), Labcorp
Classification: Uncertain significance. Last evaluated: 2026-01-09. Review status: criteria provided, single submitter. Criteria: Invitae Variant Classification Sherloc (09022015). Collection method: clinical testing. Allele origin: germline.
Comment: This sequence change replaces proline, which is neutral and non-polar, with serine, which is neutral and polar, at codon 952 of the ADAMTS13 protein (p.Pro952Ser). This variant is present in population databases (rs143568784, gnomAD 0.03%). This variant has not been reported in the literature in individuals affected with ADAMTS13-related conditions. ClinVar contains an entry for this variant (Variation ID: 2139046). An algorithm developed to predict the effect of missense changes on protein structure and function (PolyPhen-2) suggests that this variant is likely to be disruptive. In summary, the available evidence is currently insufficient to determine the role of this variant in disease. Therefore, it has been classified as a Variant of Uncertain Significance.

Women's Health and Genetics/Laboratory Corporation of America, LabCorp
Classification: Uncertain significance. Last evaluated: 2025-07-11. Review status: criteria provided, single submitter. Criteria: LabCorp Variant Classification Summary - May 2015. Collection method: clinical testing. Allele origin: germline.
Comment: Variant summary: ADAMTS13 c.2854C>T (p.Pro952Ser) results in a non-conservative amino acid change in the encoded protein sequence. Algorithms developed to predict the effect of missense changes on protein structure and function are either unavailable or do not agree on the potential impact of this missense change. The variant allele was found at a frequency of 0.00023 in 241610 control chromosomes. This frequency is not significantly higher than estimated for a pathogenic variant in ADAMTS13 causing Thrombotic Thrombocytopenic Purpura, allowing no conclusion about variant significance. To our knowledge, no occurrence of c.2854C>T in individuals affected with Thrombotic Thrombocytopenic Purpura and no experimental evidence demonstrating its impact on protein function have been reported. ClinVar contains an entry for this variant (Variation ID: 2139046). Based on the evidence outlined above, the variant was classified as uncertain significance.

Blueprint Genetics
Classification: Uncertain significance. Last evaluated: 2024-10-16. Review status: criteria provided, single submitter. Criteria: ACMG Guidelines, 2015. Collection method: clinical testing. Allele origin: germline.

Fulgent Genetics
Classification: Uncertain significance for Upshaw-Schulman syndrome. Last evaluated: 2024-01-05. Review status: criteria provided, single submitter. Criteria: ACMG Guidelines, 2015. Collection method: clinical testing. Allele origin: germline.

NM_139027.6(ADAMTS13):c.2854C>T (p.Pro952Ser)

Gene: ADAMTS13 (ADAM metallopeptidase with thrombospondin type 1 motif 13; plus strand). Cytogenetic location: 9q34.2.
Variant type: single nucleotide variant.
Coding change: c.2854C>T on transcript NM_139027.6 (MANE Select); coding-DNA position 2854, C replaced by T.
Protein change: p.Pro952Ser; replaces proline 952 with serine.
Molecular consequence: missense variant. On other transcripts: non-coding transcript variant (1).
Genome position (GRCh38, 1-based): chr9:133,448,721, C>T. VCF-style: chr9-133448721-C-T. GRCh37 (hg19) VCF-style: chr9-136313842-C-T.
Other names: c.2854C>T, p.Pro952Ser (NM_139025.5); c.2761C>T, p.Pro921Ser (NM_139026.6); short protein forms P921S, P952S.
Identifiers: ClinVar variation 2139046 (VCV002139046.8), dbSNP rs143568784, ClinGen allele CA200939153.